The following is an entry in ClinVar:

ClinVar aggregate classification (germline): Uncertain significance. Review status: criteria provided, multiple submitters, no conflicts (2 of 4 stars). 2 submissions from 2 submitters: Uncertain significance (2). Last evaluated 2026-01-19.

Conditions:
Hereditary cancer-predisposing syndrome. Also called: Neoplastic Syndromes, Hereditary; Tumor predisposition; Hereditary Cancer Syndrome; Hereditary neoplastic syndrome. Identifiers: Orphanet 140162, MedGen C0027672, MeSH D009386, MONDO:0015356.

Submissions (2):

Ambry Genetics
Classification: Uncertain significance for Hereditary cancer-predisposing syndrome. Last evaluated: 2026-01-19. Review status: criteria provided, single submitter. Criteria: Ambry Variant Classification Scheme 2023. Collection method: clinical testing. Allele origin: germline.
Comment: The p.E2200G variant (also known as c.6599A>G), located in coding exon 47 of the POLE gene, results from an A to G substitution at nucleotide position 6599. The glutamic acid at codon 2200 is replaced by glycine, an amino acid with similar properties. This amino acid position is conserved. In addition, this alteration is predicted to be deleterious by in silico analysis. Based on the available evidence, the clinical significance of this variant remains unclear.

Labcorp Genetics (formerly Invitae), Labcorp
Classification: Uncertain significance. Last evaluated: 2023-08-30. Review status: criteria provided, single submitter. Criteria: Invitae Variant Classification Sherloc (09022015). Collection method: clinical testing. Allele origin: germline.
Comment: In summary, the available evidence is currently insufficient to determine the role of this variant in disease. Therefore, it has been classified as a Variant of Uncertain Significance. Advanced modeling of protein sequence and biophysical properties (such as structural, functional, and spatial information, amino acid conservation, physicochemical variation, residue mobility, and thermodynamic stability) performed at Invitae indicates that this missense variant is expected to disrupt POLE protein function. ClinVar contains an entry for this variant (Variation ID: 1471278). This variant has not been reported in the literature in individuals affected with POLE-related conditions. This variant is not present in population databases (gnomAD no frequency). This sequence change replaces glutamic acid, which is acidic and polar, with glycine, which is neutral and non-polar, at codon 2200 of the POLE protein (p.Glu2200Gly).

NM_006231.4(POLE):c.6599A>G (p.Glu2200Gly)

Gene: POLE (DNA polymerase epsilon, catalytic subunit; minus strand). Cytogenetic location: 12q24.33.
Variant type: single nucleotide variant.
Coding change: c.6599A>G on transcript NM_006231.4 (MANE Select); coding-DNA position 6599, A replaced by G.
Protein change: p.Glu2200Gly; replaces glutamic acid 2200 with glycine.
Molecular consequence: missense variant.
Genome position (GRCh38, 1-based): chr12:132,625,703, T>C on the plus strand (A>G on the coding strand, the complement: POLE is on the minus strand). VCF-style: chr12-132625703-T-C. GRCh37 (hg19) VCF-style: chr12-133202289-T-C.
Other names: c.6599A>G (NM_006231.2); short protein forms E2200G.
Identifiers: ClinVar variation 1471278 (VCV001471278.9), dbSNP rs2138427845, ClinGen allele CA387366639.